The following is an entry in ClinVar:

ClinVar aggregate classification (germline): Uncertain significance (1 of 4 stars; one submission).

Conditions:
Mucopolysaccharidosis, MPS-III-B (MPS3B). Also called: N-ACETYL-ALPHA-D-GLUCOSAMINIDASE DEFICIENCY; NAGLU DEFICIENCY; SANFILIPPO SYNDROME B; MPS III B; Mucopolysaccharidosis type IIIB (Sanfilippo B); MPS IIIB (Sanfilippo Syndrome Type B). Identifiers: Orphanet 79270, MedGen C0086648, MONDO:0009656, OMIM 252920.
Charcot-Marie-Tooth disease axonal type 2V. Also called: CHARCOT-MARIE-TOOTH NEUROPATHY, TYPE 2V; CHARCOT-MARIE-TOOTH DISEASE, AXONAL, AUTOSOMAL DOMINANT, TYPE 2V. Identifiers: Orphanet 447964, MedGen C5569050, MONDO:0014665, OMIM 616491.

Allele frequency attached by ClinVar (database versions not stated): TOPMed below 0.00001.

Submission:

Labcorp Genetics (formerly Invitae), Labcorp
Classification: Uncertain significance for Charcot-Marie-Tooth disease axonal type 2V; Mucopolysaccharidosis, MPS-III-B. Last evaluated: 2021-12-22. Review status: criteria provided, single submitter. Criteria: Invitae Variant Classification Sherloc (09022015). Collection method: clinical testing. Allele origin: germline.
Comment: This variant is not present in population databases (gnomAD no frequency). This sequence change replaces serine, which is neutral and polar, with phenylalanine, which is neutral and non-polar, at codon 49 of the NAGLU protein (p.Ser49Phe). This variant has not been reported in the literature in individuals affected with NAGLU-related conditions. In summary, the available evidence is currently insufficient to determine the role of this variant in disease. Therefore, it has been classified as a Variant of Uncertain Significance. Advanced modeling of protein sequence and biophysical properties (such as structural, functional, and spatial information, amino acid conservation, physicochemical variation, residue mobility, and thermodynamic stability) performed at Invitae indicates that this missense variant is not expected to disrupt NAGLU protein function.

NM_000263.4(NAGLU):c.146C>T (p.Ser49Phe)

Genes: NAGLU (N-acetyl-alpha-glucosaminidase; plus strand), LOC130060903 (ATAC-STARR-seq lymphoblastoid silent region 8533; plus strand). Cytogenetic location: 17q21.2.
Variant type: single nucleotide variant.
Coding change: c.146C>T on transcript NM_000263.4 (MANE Select); coding-DNA position 146, C replaced by T.
Protein change: p.Ser49Phe; replaces serine 49 with phenylalanine.
Molecular consequence: missense variant.
Genome position (GRCh38, 1-based): chr17:42,536,418, C>T. VCF-style: chr17-42536418-C-T. GRCh37 (hg19) VCF-style: chr17-40688436-C-T.
Other names: short protein forms S49F.
Identifiers: ClinVar variation 2052972 (VCV002052972.4), dbSNP rs987612260, ClinGen allele CA290771275.
Genomic context (GRCh38, chr17:42,536,418, plus strand): 5'-CGGCGGCCGTGCGGGCGCTCGTGGCCCGGCTGCTGGGGCCAGGCCCCGCGGCCGACTTCT[C>T]CGTGTCGGTGGAGCGCGCTCTGGCTGCCAAGCCGGGCTTGGACACCTACAGCCTGGGCGG-3'
Protein context (NP_000254.2, residues 39-59): LLGPGPAADF[Ser49Phe]VSVERALAAK